The following is an entry in ClinVar:

ClinVar aggregate classification (germline): Conflicting classifications of pathogenicity. Review status: criteria provided, conflicting classifications (1 of 4 stars). 8 submissions from 6 submitters: Uncertain significance (7); Benign (1). Last evaluated 2025-12-12.

Conditions:
Hereditary spherocytosis type 3. Also called: SPTA1-Related Spherocytosis; Spherocytosis type 3. Identifiers: Orphanet 822, MedGen C2678338, MONDO:0010053, OMIM 270970.
Pyropoikilocytosis, hereditary. Also called: Pyropoikilocytosis. Identifiers: MedGen C0520739, MONDO:0009948, OMIM 266140, HP:0004839. Disease mechanism: loss of function.
Elliptocytosis 2 (EL2). Also called: ELLIPTOCYTOSIS, RHESUS-UNLINKED TYPE. Identifiers: Orphanet 288, MedGen C1851741, MONDO:0007533, OMIM 130600.

Allele frequency attached by ClinVar (database versions not stated): ESP Exome Variant Server 0.00008; gnomAD 0.00010; gnomAD exomes 0.00010 and 0.00013; TOPMed 0.00012; ExAC 0.00016.
gnomAD v4.1: 153 of 1,613,954 alleles (0.0095%); highest among the groups gnomAD compares: South Asian, 0.041%; no homozygotes.

Submissions (8):

Labcorp Genetics (formerly Invitae), Labcorp
Classification: Benign. Last evaluated: 2025-12-12. Review status: criteria provided, single submitter. Criteria: Invitae Variant Classification Sherloc (09022015). Collection method: clinical testing. Allele origin: germline.

Ambry Genetics
Classification: Uncertain significance. Last evaluated: 2025-11-26. Review status: criteria provided, single submitter. Criteria: Ambry Variant Classification Scheme 2023. Collection method: clinical testing. Allele origin: germline.

GeneDx
Classification: Uncertain significance. Last evaluated: 2025-08-03. Review status: criteria provided, single submitter. Criteria: GeneDx Variant Classification Process June 2021. Collection method: clinical testing. Allele origin: germline.
Comment: In silico analysis supports that this missense variant has a deleterious effect on protein structure/function; Has not been previously published as pathogenic or benign to our knowledge

CeGaT Center for Human Genetics Tuebingen
Classification: Uncertain significance. Last evaluated: 2025-05-01. Review status: criteria provided, single submitter. Criteria: CeGaT Center For Human Genetics Tuebingen Variant Classification Criteria Version 2. Collection method: clinical testing. Allele origin: germline. Affected: yes. Observed: 2 variant alleles.
Comment: SPTA1: PM2, BP4

Revvity Omics, Revvity
Classification: Uncertain significance. Last evaluated: 2024-08-08. Review status: criteria provided, single submitter. Criteria: ACMG Guidelines, 2015. Collection method: clinical testing. Allele origin: germline.

Illumina Laboratory Services, Illumina
Classification: Uncertain significance for Hereditary spherocytosis type 3. Last evaluated: 2018-01-13. Review status: criteria provided, single submitter. Criteria: ICSL Variant Classification Criteria 13 December 2019. Collection method: clinical testing. Allele origin: germline.

Illumina Laboratory Services, Illumina
Classification: Uncertain significance for Elliptocytosis 2. Last evaluated: 2018-01-13. Review status: criteria provided, single submitter. Criteria: ICSL Variant Classification Criteria 13 December 2019. Collection method: clinical testing. Allele origin: germline.

Illumina Laboratory Services, Illumina
Classification: Uncertain significance for Pyropoikilocytosis, hereditary. Last evaluated: 2018-01-13. Review status: criteria provided, single submitter. Criteria: ICSL Variant Classification Criteria 13 December 2019. Collection method: clinical testing. Allele origin: germline.

NM_003126.4(SPTA1):c.2672G>A (p.Arg891Gln)

Gene: SPTA1 (spectrin alpha, erythrocytic 1; minus strand). Cytogenetic location: 1q23.1.
Variant type: single nucleotide variant.
Coding change: c.2672G>A on transcript NM_003126.4 (MANE Select); coding-DNA position 2672, G replaced by A.
Protein change: p.Arg891Gln; replaces arginine 891 with glutamine.
Molecular consequence: missense variant.
Genome position (GRCh38, 1-based): chr1:158,657,610, C>T on the plus strand (G>A on the coding strand, the complement: SPTA1 is on the minus strand). VCF-style: chr1-158657610-C-T. GRCh37 (hg19) VCF-style: chr1-158627400-C-T.
Other names: short protein forms R891Q.
Identifiers: ClinVar variation 293007 (VCV000293007.28), dbSNP rs36057043, ClinGen allele CA1183312.